The following is an entry in ClinVar:

NM_001195248.2(APTX):c.874+1del

Gene: APTX (aprataxin; minus strand). Cytogenetic location: 9p21.1.
Variant type: Deletion.
Coding change: c.874+1del on transcript NM_001195248.2 (MANE Select); the canonical splice donor site of the intron after coding-DNA position 874, one base deleted (G; older notation c.874+1delG).
Molecular consequence: splice donor variant.
Genome position (GRCh38, 1-based): chr9:32,974,457, C deleted on the plus strand (G on the coding strand, the reverse complement: APTX is on the minus strand); the first of 2 consecutive C bases (chr9:32,974,457-32,974,458); deleting either gives the same sequence. VCF-style (leftmost placement, unchanged base first): chr9-32974456-AC-A. GRCh37 (hg19) VCF-style: chr9-32974454-AC-A.
Other names: c.712+1del (NM_001369001.1, NM_001369000.1, NM_001195250.2 and 1 more transcripts); c.874+1del (NM_001368996.1, NM_001368995.1, NM_001368997.1 and 6 more transcripts); c.610+1del (NM_001369002.1, NM_001369003.1, NM_001369004.1 and 5 more transcripts); c.658+1del (NM_001195252.2).
Identifiers: ClinVar variation 3775216 (VCV003775216.1).

ClinVar aggregate classification (germline): Likely pathogenic (1 of 4 stars; one submission).

Conditions:
Ataxia, early-onset, with oculomotor apraxia and hypoalbuminemia (EAOH). Also called: ATAXIA-OCULOMOTOR APRAXIA SYNDROME; ATAXIA-TELANGIECTASIA-LIKE SYNDROME; Ataxia-oculomotor apraxia type 1. Identifiers: Orphanet 1168, MedGen C1859598, MONDO:0008842, OMIM 208920.

Submission:

3billion
Classification: Likely pathogenic for Ataxia, early-onset, with oculomotor apraxia and hypoalbuminemia. Last evaluated: 2024-01-30. Review status: criteria provided, single submitter. Criteria: ACMG Guidelines, 2015. Collection method: clinical testing. Allele origin: germline. Affected: yes.
Comment: The variant is not observed in the gnomAD v2.1.1 dataset. Predicted Consequence/Location: Canonical splice site: predicted to alter splicing and result in a loss or disruption of normal protein function. The predicted truncated protein may be shortened by more than 10%. Therefore, this variant is classified as Likely pathogenic according to the recommendation of ACMG/AMP guideline.